The following is an entry in ClinVar:

ClinVar aggregate classification (germline): Uncertain significance. Review status: criteria provided, multiple submitters, no conflicts (2 of 4 stars). 2 submissions from 2 submitters: Uncertain significance (2). Last evaluated 2022-03-29.

Conditions:
Inborn genetic diseases. Identifiers: MedGen C0950123, MeSH D030342.

Allele frequency attached by ClinVar (database versions not stated): gnomAD exomes below 0.00001; ExAC 0.00001; gnomAD 0.00003; TOPMed 0.00003.
gnomAD v4.1: 10 of 1,610,366 alleles (0.00062%); highest among the groups gnomAD compares: African/African-American, 0.012%; no homozygotes.

Submissions (2):

Labcorp Genetics (formerly Invitae), Labcorp
Classification: Uncertain significance. Last evaluated: 2022-03-29. Review status: criteria provided, single submitter. Criteria: Invitae Variant Classification Sherloc (09022015). Collection method: clinical testing. Allele origin: germline.
Comment: In summary, the available evidence is currently insufficient to determine the role of this variant in disease. Therefore, it has been classified as a Variant of Uncertain Significance. Algorithms developed to predict the effect of missense changes on protein structure and function are either unavailable or do not agree on the potential impact of this missense change (SIFT: "Tolerated"; PolyPhen-2: "Probably Damaging"; Align-GVGD: "Class C0"). This variant has not been reported in the literature in individuals affected with TUBGCP6-related conditions. This variant is present in population databases (rs764286294, gnomAD 0.01%). This sequence change replaces tyrosine, which is neutral and polar, with cysteine, which is neutral and slightly polar, at codon 1777 of the TUBGCP6 protein (p.Tyr1777Cys).

Ambry Genetics
Classification: Uncertain significance for Inborn genetic diseases. Last evaluated: 2021-08-17. Review status: criteria provided, single submitter. Criteria: Ambry Variant Classification Scheme 2023. Collection method: clinical testing. Allele origin: germline.

NM_020461.4(TUBGCP6):c.5330A>G (p.Tyr1777Cys)

Gene: TUBGCP6 (tubulin gamma complex component 6; minus strand). Cytogenetic location: 22q13.33.
Variant type: single nucleotide variant.
Coding change: c.5330A>G on transcript NM_020461.4 (MANE Select); coding-DNA position 5330, A replaced by G.
Protein change: p.Tyr1777Cys; replaces tyrosine 1777 with cysteine.
Molecular consequence: missense variant.
Genome position (GRCh38, 1-based): chr22:50,217,956, T>C on the plus strand (A>G on the coding strand, the complement: TUBGCP6 is on the minus strand). VCF-style: chr22-50217956-T-C. GRCh37 (hg19) VCF-style: chr22-50656385-T-C.
Other names: short protein forms Y1777C.
Identifiers: ClinVar variation 1921844 (VCV001921844.5), dbSNP rs764286294, ClinGen allele CA10307073.